The following is an entry in ClinVar:

ClinVar aggregate classification (germline): Pathogenic/Likely pathogenic. Review status: criteria provided, multiple submitters, no conflicts (2 of 4 stars). 6 submissions from 6 submitters: Pathogenic (4); Likely pathogenic (1). 1 of the submissions does not count toward it. Last evaluated 2025-12-21.

Conditions:
Autosomal recessive distal renal tubular acidosis. Identifiers: Orphanet 402041, MedGen C1864498, MONDO:0018440.
ATP6V0A4-related disorder. Also called: ATP6V0A4-related condition.
Distal renal tubular acidosis. Identifiers: Orphanet 18, MedGen C1704380, MONDO:0015827, HP:0008341.
Renal tubular acidosis, distal, 3, with or without sensorineural hearing loss (DRTA3). Identifiers: MedGen C5399980, MONDO:0011268, OMIM 602722.

Allele frequency attached by ClinVar (database versions not stated): gnomAD 0.00001; gnomAD exomes 0.00001; TOPMed 0.00001.
gnomAD v4.1: 18 of 1,613,914 alleles (0.0011%); highest among the groups gnomAD compares: Admixed American, 0.0017%; no homozygotes.

Submissions (6):

Labcorp Genetics (formerly Invitae), Labcorp
Classification: Pathogenic. Last evaluated: 2025-12-21. Review status: criteria provided, single submitter. Criteria: Invitae Variant Classification Sherloc (09022015). Collection method: clinical testing. Allele origin: germline.
Comment: This sequence change replaces arginine, which is basic and polar, with histidine, which is basic and polar, at codon 449 of the ATP6V0A4 protein (p.Arg449His). This variant is present in population databases (no rsID available, gnomAD 0.003%). This missense change has been observed in individuals with distal renal tubular acidosis (PMID: 12414817, 31672324). ClinVar contains an entry for this variant (Variation ID: 623151). Invitae Evidence Modeling of protein sequence and biophysical properties (such as structural, functional, and spatial information, amino acid conservation, physicochemical variation, residue mobility, and thermodynamic stability) indicates that this missense variant is expected to disrupt ATP6V0A4 protein function with a positive predictive value of 80%. Experimental studies have shown that this missense change affects ATP6V0A4 function (PMID: 29311258). This variant disrupts the p.Arg449 amino acid residue in ATP6V0A4. Other variant(s) that disrupt this residue have been determined to be pathogenic (PMID: 25285676, 28188436, 28233610). This suggests that this residue is clinically significant, and that variants that disrupt this residue are likely to be disease-causing. For these reasons, this variant has been classified as Pathogenic.

Genomic Research Center, Shahid Beheshti University of Medical Sciences
Classification: Pathogenic for Autosomal recessive distal renal tubular acidosis. Last evaluated: 2025-04-19. Review status: criteria provided, single submitter. Criteria: ACMG Guidelines, 2015. Collection method: clinical testing. Allele origin: inherited. Inheritance: Autosomal recessive inheritance. Affected: yes. Observed: 1 variant allele.

Victorian Clinical Genetics Services, Murdoch Childrens Research Institute
Classification: Pathogenic for Renal tubular acidosis, distal, 3, with or without sensorineural hearing loss. Last evaluated: 2024-10-10. Review status: criteria provided, single submitter. Criteria: ACMG Guidelines, 2015. Collection method: clinical testing. Allele origin: germline. Inheritance: Autosomal recessive inheritance. Affected: yes.
Comment: Based on the classification scheme VCGS_Germline_v1.3.5, this variant is classified as Pathogenic. Following criteria are met: 0102 - Loss of function is a known mechanism of disease in this gene and is associated with distal renal tubular acidosis 3, with or without sensorineural hearing loss (MIM#602722). (I) 0106 - This gene is associated with autosomal recessive disease. (I) 0200 - Variant is predicted to result in a missense amino acid change from arginine to histidine. (I) 0252 - This variant is homozygous. (I) 0304 - Variant is present in gnomAD <0.01 for a recessive condition (v4; 18 heterozygotes, 0 homozygotes). (SP) 0309 - An alternative amino acid change at the same position has been observed in gnomAD (v4; 18 heterozygotes, 0 homozygotes). (I) 0501 - Missense variant consistently predicted to be damaging by multiple in silico tools or highly conserved with a major amino acid change. (SP) 0600 - Variant is located in the annotated V-ATPase-I domain (DECIPHER). (I) 0702 - Other missense variants comparable to the one identified in this case have strong previous evidence for pathogenicity. p.(Arg449Cys) has been reported twice as pathogenic in ClinVar and in four unrelated individuals in the compound heterozygous or homozygote state with a diagnosis of distal renal tubular acidosis (PMIDs: 25285676, 28233610, 28188436). p.(Arg449Leu) has also been reported once in an individual with nephrolithiasis and nephrocalcinosis (PMID: 26787776). (SP) 0801 - This variant has strong previous evidence of pathogenicity in unrelated individuals. This variant has been reported once as likely pathogenic and once as a VUS (ClinVar) and in six unrelated individuals homozygous for this variant diagnosed with distal renal tubular acidosis (PMIDs: 12414817, 31959358, 35822476, 35990030, 29725771). (SP) 0905 - No published segregation evidence has been identified for this variant. (I) 1002 - This variant has moderate functional evidence supporting abnormal protein function. Expression of this variant in HEK 293 cells demonstrated that the mutant protein was retained in the endoplasmic reticulum and failed to properly localise to the cell surface, in addition to this the stability of the mutant protein was reduced by over 70% when compared to that of the wild-type protein (PMID: 29311258). (SP) 1208 - Inheritance information for this variant is not currently available in this individual. (I) Legend: (SP) - Supporting pathogenic, (I) - Information, (SB) - Supporting benign

Blueprint Genetics
Classification: Pathogenic for ATP6V0A4-related disorders. Last evaluated: 2024-09-16. Review status: criteria provided, single submitter. Criteria: ACMG Guidelines, 2015. Collection method: clinical testing. Allele origin: germline. Affected: yes. Observed: 4 variant alleles.

Molecular Diagnostics Laboratory, M Health Fairview: University of Minnesota
Classification: Likely pathogenic for Renal tubular acidosis, distal, 3, with or without sensorineural hearing loss. Last evaluated: 2018-07-19. Review status: criteria provided, single submitter. Criteria: ACMG Guidelines, 2015. Collection method: clinical testing. Allele origin: germline. Affected: yes. Observed: 1 variant allele.

Yale Center for Mendelian Genomics, Yale University
Classification: Pathogenic for Distal renal tubular acidosis. Last evaluated: 2019-10-22. Review status: no assertion criteria provided. Collection method: literature only. Allele origin: germline. Affected: yes. Observed: 1 homozygote. Study: Yale Center for Mendelian Genomics. Not counted in ClinVar's aggregate classification.

Literature cited by the submitters: PubMed 12414817 (cited by 3 submitters); PubMed 31672324 (cited by Labcorp Genetics (formerly Invitae), Labcorp); PubMed 29311258 (cited by 3 submitters); PubMed 25285676 (cited by Labcorp Genetics (formerly Invitae), Labcorp and Victorian Clinical Genetics Services, Murdoch Childrens Research Institute); PubMed 28188436 (cited by Labcorp Genetics (formerly Invitae), Labcorp and Victorian Clinical Genetics Services, Murdoch Childrens Research Institute); PubMed 28233610 (cited by Labcorp Genetics (formerly Invitae), Labcorp and Victorian Clinical Genetics Services, Murdoch Childrens Research Institute); PubMed 26787776 (cited by Victorian Clinical Genetics Services, Murdoch Childrens Research Institute); PubMed 29725771 (cited by Victorian Clinical Genetics Services, Murdoch Childrens Research Institute); PubMed 31959358 (cited by Victorian Clinical Genetics Services, Murdoch Childrens Research Institute and Yale Center for Mendelian Genomics, Yale University); PubMed 35822476 (cited by Victorian Clinical Genetics Services, Murdoch Childrens Research Institute); PubMed 35990030 (cited by Victorian Clinical Genetics Services, Murdoch Childrens Research Institute).

NM_020632.3(ATP6V0A4):c.1346G>A (p.Arg449His)

Gene: ATP6V0A4 (ATPase H+ transporting V0 subunit a4; minus strand). Cytogenetic location: 7q34.
Variant type: single nucleotide variant.
Coding change: c.1346G>A on transcript NM_020632.3 (MANE Select); coding-DNA position 1346, G replaced by A.
Protein change: p.Arg449His; replaces arginine 449 with histidine.
Molecular consequence: missense variant.
Genome position (GRCh38, 1-based): chr7:138,745,255, C>T on the plus strand (G>A on the coding strand, the complement: ATP6V0A4 is on the minus strand). VCF-style: chr7-138745255-C-T. GRCh37 (hg19) VCF-style: chr7-138430000-C-T.
Other names: c.1346G>A, p.Arg449His (NM_130840.3, NM_130841.3); short protein forms R449H.
Identifiers: ClinVar variation 623151 (VCV000623151.9), dbSNP rs1443883930, ClinGen allele CA369371085.
Genomic context (GRCh38, chr7:138,745,255, plus strand): 5'-CAGTCATTGTAGATCAAACCCGTGTAGATGGAGAAGATGCCCATAAGTAGGATCAGATAG[C>T]GCCCGTGGAAGAAGGTGTTCCAAATCTGGCCTCAGAGAGACAGAGAGGATGATTGTCAGT-3'
Protein context (NP_065683.2, residues 439-459): NEIWNTFFHG[Arg449His]YLILLMGIFS